The following is an entry in ClinVar:

NM_002519.3(NPAT):c.2114C>G (p.Ser705Cys)

Gene: NPAT (nuclear protein, coactivator of histone transcription; minus strand). Cytogenetic location: 11q22.3.
Variant type: single nucleotide variant.
Coding change: c.2114C>G on transcript NM_002519.3 (MANE Select); coding-DNA position 2114, C replaced by G.
Protein change: p.Ser705Cys; replaces serine 705 with cysteine.
Molecular consequence: missense variant.
Genome position (GRCh38, 1-based): chr11:108,172,870, G>C on the plus strand (C>G on the coding strand, the complement: NPAT is on the minus strand). VCF-style: chr11-108172870-G-C. GRCh37 (hg19) VCF-style: chr11-108043597-G-C.
Other names: c.2114C>G, p.Ser705Cys (NM_001321307.1); short protein forms S705C.
Identifiers: ClinVar variation 3407161 (VCV003407161.1).

ClinVar aggregate classification (germline): Uncertain significance (1 of 4 stars; one submission).

Submission:

Ambry Genetics
Classification: Uncertain significance. Last evaluated: 2024-06-26. Review status: criteria provided, single submitter. Criteria: Ambry Variant Classification Scheme 2023. Collection method: clinical testing. Allele origin: germline.
Comment: The p.S705C variant (also known as c.2114C>G), located in coding exon 13 of the NPAT gene, results from a C to G substitution at nucleotide position 2114. The serine at codon 705 is replaced by cysteine, an amino acid with dissimilar properties. This amino acid position is conserved. In addition, this alteration is predicted to be tolerated by in silico analysis. Based on the available evidence, the clinical significance of this variant remains unclear.